The following is an entry in ClinVar:

NM_024844.5(NUP85):c.929C>G (p.Thr310Ser)

Genes: NUP85 (nucleoporin 85; plus strand), LOC126862640 (CDK7 strongly-dependent group 2 enhancer GRCh37_chr17:73221550-73222749; plus strand). Cytogenetic location: 17q25.1.
Variant type: single nucleotide variant.
Coding change: c.929C>G on transcript NM_024844.5 (MANE Select); coding-DNA position 929, C replaced by G.
Protein change: p.Thr310Ser; replaces threonine 310 with serine.
Molecular consequence: missense variant.
Genome position (GRCh38, 1-based): chr17:75,225,771, C>G. VCF-style: chr17-75225771-C-G. GRCh37 (hg19) VCF-style: chr17-73221866-C-G.
Other names: c.791C>G, p.Thr264Ser (NM_001303276.2); c.794C>G, p.Thr265Ser (NM_001330472.2); short protein forms T264S, T310S, T265S.
Identifiers: ClinVar variation 2041871 (VCV002041871.4), dbSNP rs2544862483, ClinGen allele CA400983091.

ClinVar aggregate classification (germline): Uncertain significance (1 of 4 stars; one submission).

Submission:

Labcorp Genetics (formerly Invitae), Labcorp
Classification: Uncertain significance. Last evaluated: 2021-12-13. Review status: criteria provided, single submitter. Criteria: Invitae Variant Classification Sherloc (09022015). Collection method: clinical testing. Allele origin: germline.
Comment: In summary, the available evidence is currently insufficient to determine the role of this variant in disease. Therefore, it has been classified as a Variant of Uncertain Significance. Algorithms developed to predict the effect of missense changes on protein structure and function (SIFT, PolyPhen-2, Align-GVGD) all suggest that this variant is likely to be tolerated. This variant has not been reported in the literature in individuals affected with NUP85-related conditions. This variant is not present in population databases (gnomAD no frequency). This sequence change replaces threonine, which is neutral and polar, with serine, which is neutral and polar, at codon 310 of the NUP85 protein (p.Thr310Ser).